The following is an entry in ClinVar:

NM_022168.4(IFIH1):c.937del (p.Met313fs)

Gene: IFIH1 (interferon induced with helicase C domain 1; minus strand). Cytogenetic location: 2q24.2.
Variant type: Deletion.
Coding change: c.937del on transcript NM_022168.4 (MANE Select); coding-DNA position 937, one base deleted (A; older notation c.937delA).
Protein change: p.Met313fs; shifts the reading frame from methionine 313.
Molecular consequence: frameshift variant.
Genome position (GRCh38, 1-based): chr2:162,288,293, T deleted on the plus strand (A on the coding strand, the reverse complement: IFIH1 is on the minus strand); the first of 3 consecutive T bases (chr2:162,288,293-162,288,295); deleting any one gives the same sequence. VCF-style (leftmost placement, unchanged base first): chr2-162288292-AT-A. GRCh37 (hg19) VCF-style: chr2-163144802-AT-A.
Other names: c.937del (NM_022168.3); short protein forms M313fs.
Identifiers: ClinVar variation 2155788 (VCV002155788.5), dbSNP rs757577285, ClinGen allele CA1934658.

ClinVar aggregate classification (germline): Uncertain significance. Review status: criteria provided, multiple submitters, no conflicts (2 of 4 stars). 2 submissions from 2 submitters: Uncertain significance (2). Last evaluated 2025-10-08.

Conditions:
Singleton-Merten syndrome 1 (SGMRT1). Also called: Widened medullary cavities of bone, aortic calcification, abnormal dentition, and muscular weakness; Syndrome of widened medullary cavities of the metacarpals and phalanges, aortic calcification and abnormal dentition. Identifiers: Orphanet 85191, MedGen C4225427, MONDO:0024535, OMIM 182250.
Aicardi-Goutieres syndrome 7 (AGS7). Identifiers: Orphanet 51, MedGen C3888244, MONDO:0014367, OMIM 615846.

Submissions (2):

Labcorp Genetics (formerly Invitae), Labcorp
Classification: Uncertain significance for Aicardi-Goutieres syndrome 7; Singleton-Merten syndrome 1. Last evaluated: 2025-10-08. Review status: criteria provided, single submitter. Criteria: Invitae Variant Classification Sherloc (09022015). Collection method: clinical testing. Allele origin: germline.
Comment: This sequence change creates a premature translational stop signal (p.Met313Trpfs*35) in the IFIH1 gene. It is expected to result in an absent or disrupted protein product. However, the current clinical and genetic evidence is not sufficient to establish whether loss-of-function variants in IFIH1 cause disease. This variant is present in population databases (rs757577285, gnomAD 0.002%). This variant has not been reported in the literature in individuals affected with IFIH1-related conditions. ClinVar contains an entry for this variant (Variation ID: 2155788). In summary, the available evidence is currently insufficient to determine the role of this variant in disease. Therefore, it has been classified as a Variant of Uncertain Significance.

GeneDx
Classification: Uncertain significance. Last evaluated: 2024-05-22. Review status: criteria provided, single submitter. Criteria: GeneDx Variant Classification Process June 2021. Collection method: clinical testing. Allele origin: germline. Affected: yes.
Comment: Not observed at significant frequency in large population cohorts (gnomAD); Has not been previously published as pathogenic or benign to our knowledge; Frameshift variant predicted to result in protein truncation or nonsense mediated decay in a gene for which loss-of-function is not a known mechanism of disease